The following is an entry in ClinVar:

ClinVar aggregate classification (germline): Conflicting classifications of pathogenicity. Review status: criteria provided, conflicting classifications (1 of 4 stars). 2 submissions from 2 submitters: Uncertain significance (1); Benign (1). Last evaluated 2026-01-14.

Conditions:
Dilated cardiomyopathy 1DD (CMD1DD). Identifiers: Orphanet 154, MedGen C2750995, MONDO:0013168, OMIM 613172.
Cardiovascular phenotype. Identifiers: MedGen CN230736.

Allele frequency attached by ClinVar (database versions not stated): gnomAD exomes below 0.00001; TOPMed 0.00001; gnomAD 0.00002.
gnomAD v4.1: 4 of 1,551,550 alleles (0.00026%); highest among the groups gnomAD compares: African/African-American, 0.0055%; no homozygotes.

Submissions (2):

Labcorp Genetics (formerly Invitae), Labcorp
Classification: Benign for Dilated cardiomyopathy 1DD. Last evaluated: 2026-01-14. Review status: criteria provided, single submitter. Criteria: Invitae Variant Classification Sherloc (09022015). Collection method: clinical testing. Allele origin: germline.

Ambry Genetics
Classification: Uncertain significance for Cardiovascular phenotype. Last evaluated: 2022-07-06. Review status: criteria provided, single submitter. Criteria: Ambry Variant Classification Scheme 2023. Collection method: clinical testing. Allele origin: germline.
Comment: The p.S742C variant (also known as c.2225C>G), located in coding exon 9 of the RBM20 gene, results from a C to G substitution at nucleotide position 2225. The serine at codon 742 is replaced by cysteine, an amino acid with dissimilar properties. This amino acid position is conserved. In addition, the in silico prediction for this alteration is inconclusive. Since supporting evidence is limited at this time, the clinical significance of this alteration remains unclear.

NM_001134363.3(RBM20):c.2225C>G (p.Ser742Cys)

Gene: RBM20 (RNA binding motif protein 20; plus strand). Cytogenetic location: 10q25.2.
Variant type: single nucleotide variant.
Coding change: c.2225C>G on transcript NM_001134363.3 (MANE Select); coding-DNA position 2225, C replaced by G.
Protein change: p.Ser742Cys; replaces serine 742 with cysteine.
Molecular consequence: missense variant.
Genome position (GRCh38, 1-based): chr10:110,812,622, C>G. VCF-style: chr10-110812622-C-G. GRCh37 (hg19) VCF-style: chr10-112572380-C-G.
Other names: short protein forms S742C.
Identifiers: ClinVar variation 842533 (VCV000842533.11), dbSNP rs985340296, ClinGen allele CA213223986.